The following is an entry in ClinVar:

ClinVar aggregate classification (germline): Uncertain significance (1 of 4 stars; one submission).

Conditions:
CHARGE syndrome (CHARGE). Also called: Hittner Hirsch Kreh syndrome; CHARGE ASSOCIATION--COLOBOMA, HEART ANOMALY, CHOANAL ATRESIA, RETARDATION, GENITAL AND EAR ANOMALIES; Coloboma, heart anomaly, choanal atresia, retardation, genital and ear anomalies; CHARGE association; Hall-Hittner syndrome. Identifiers: Orphanet 138, MedGen C0265354, MONDO:0008965.

Submission:

Labcorp Genetics (formerly Invitae), Labcorp
Classification: Uncertain significance for CHARGE syndrome. Last evaluated: 2023-12-04. Review status: criteria provided, single submitter. Criteria: Invitae Variant Classification Sherloc (09022015). Collection method: clinical testing. Allele origin: germline.
Comment: This sequence change replaces lysine, which is basic and polar, with arginine, which is basic and polar, at codon 385 of the SEMA3E protein (p.Lys385Arg). This variant is not present in population databases (gnomAD no frequency). This variant has not been reported in the literature in individuals affected with SEMA3E-related conditions. Advanced modeling of protein sequence and biophysical properties (such as structural, functional, and spatial information, amino acid conservation, physicochemical variation, residue mobility, and thermodynamic stability) performed at Invitae indicates that this missense variant is not expected to disrupt SEMA3E protein function with a negative predictive value of 80%. In summary, the available evidence is currently insufficient to determine the role of this variant in disease. Therefore, it has been classified as a Variant of Uncertain Significance.

NM_012431.3(SEMA3E):c.1154A>G (p.Lys385Arg)

Gene: SEMA3E (semaphorin 3E; minus strand). Cytogenetic location: 7q21.11.
Variant type: single nucleotide variant.
Coding change: c.1154A>G on transcript NM_012431.3 (MANE Select); coding-DNA position 1154, A replaced by G.
Protein change: p.Lys385Arg; replaces lysine 385 with arginine.
Molecular consequence: missense variant.
Genome position (GRCh38, 1-based): chr7:83,400,240, T>C on the plus strand (A>G on the coding strand, the complement: SEMA3E is on the minus strand). VCF-style: chr7-83400240-T-C. GRCh37 (hg19) VCF-style: chr7-83029556-T-C.
Other names: c.974A>G, p.Lys325Arg (NM_001178129.2); short protein forms K325R, K385R.
Identifiers: ClinVar variation 2695956 (VCV002695956.3), dbSNP rs2484306074, ClinGen allele CA367927980.